The following is an entry in ClinVar:

NM_000337.6(SGCD):c.175G>T (p.Val59Phe)

Gene: SGCD (sarcoglycan delta; plus strand). Cytogenetic location: 5q33.3.
Variant type: single nucleotide variant.
Coding change: c.175G>T on transcript NM_000337.6 (MANE Select); coding-DNA position 175, G replaced by T.
Protein change: p.Val59Phe; replaces valine 59 with phenylalanine.
Molecular consequence: missense variant.
Genome position (GRCh38, 1-based): chr5:156,344,660, G>T. VCF-style: chr5-156344660-G-T. GRCh37 (hg19) VCF-style: chr5-155771670-G-T.
Other names: c.172G>T, p.Val58Phe (NM_001128209.2); c.175G>T, p.Val59Phe (NM_172244.3); short protein forms V59F, V58F.
Identifiers: ClinVar variation 464016 (VCV000464016.6), dbSNP rs1274415049, ClinGen allele CA362007854.

ClinVar aggregate classification (germline): Uncertain significance (1 of 4 stars; one submission).

Conditions:
Autosomal recessive limb-girdle muscular dystrophy type 2F (LGMDR6). Also called: MUSCULAR DYSTROPHY, LIMB-GIRDLE, AUTOSOMAL RECESSIVE 6; Muscular dystrophy limb-girdle with delta-sarcoglyan deficiency. Identifiers: Orphanet 219, MedGen C1832525, MONDO:0011028, OMIM 601287. Disease mechanism: Affects gamma-sarcoglycan and also disrupts the integrity of the entire sarcoglycan complex..

Allele frequency attached by ClinVar (database versions not stated): TOPMed below 0.00001.
gnomAD v4.1: 4 of 1,603,198 alleles (0.00025%); highest among the groups gnomAD compares: Admixed American, 0.0068%; no homozygotes.

Submission:

Labcorp Genetics (formerly Invitae), Labcorp
Classification: Uncertain significance for Autosomal recessive limb-girdle muscular dystrophy type 2F. Last evaluated: 2022-08-23. Review status: criteria provided, single submitter. Criteria: Invitae Variant Classification Sherloc (09022015). Collection method: clinical testing. Allele origin: germline.
Comment: This sequence change replaces valine, which is neutral and non-polar, with phenylalanine, which is neutral and non-polar, at codon 59 of the SGCD protein (p.Val59Phe). This variant is present in population databases (no rsID available, gnomAD 0.01%). This variant has not been reported in the literature in individuals affected with SGCD-related conditions. ClinVar contains an entry for this variant (Variation ID: 464016). Algorithms developed to predict the effect of missense changes on protein structure and function are either unavailable or do not agree on the potential impact of this missense change (SIFT: "Deleterious"; PolyPhen-2: "Probably Damaging"; Align-GVGD: "Class C0"). In summary, the available evidence is currently insufficient to determine the role of this variant in disease. Therefore, it has been classified as a Variant of Uncertain Significance.